The following is an entry in ClinVar:

ClinVar aggregate classification (germline): Uncertain significance (1 of 4 stars; one submission).

Submission:

Labcorp Genetics (formerly Invitae), Labcorp
Classification: Uncertain significance. Last evaluated: 2022-09-27. Review status: criteria provided, single submitter. Criteria: Invitae Variant Classification Sherloc (09022015). Collection method: clinical testing. Allele origin: germline.
Comment: In summary, the available evidence is currently insufficient to determine the role of this variant in disease. Therefore, it has been classified as a Variant of Uncertain Significance. Experimental studies and prediction algorithms are not available or were not evaluated, and the functional significance of this variant is currently unknown. This variant has not been reported in the literature in individuals affected with MAK-related conditions. This variant is a gross deletion of the genomic region encompassing exon(s) 11-14 of the MAK gene, which includes the termination codon. This deletion extends beyond the assayed region for this gene and therefore may encompass additional genes. While this deletion is not anticipated to lead to nonsense mediated decay, it is expected to alter mRNA translation or result in a truncated protein product.

NC_000006.11:g.(?_10556657)_(10775712_?)del

Genes: C6orf52 (chromosome 6 open reading frame 52; minus strand), GCNT2 (glucosaminyl (N-acetyl) transferase 2 (I blood group); plus strand), MAK (male germ cell associated kinase; minus strand), PAK1IP1 (PAK1 interacting protein 1; plus strand), TMEM14B (transmembrane protein 14B; plus strand) and 1 more. Cytogenetic location: 6p24.3-24.2.
Variant type: Deletion.
Identifiers: ClinVar variation 1035633 (VCV001035633.7).